The following is an entry in ClinVar:

NM_001035.3(RYR2):c.6503_6504delinsT (p.His2168fs)

Gene: RYR2 (ryanodine receptor 2; plus strand). Cytogenetic location: 1q43.
Variant type: Indel.
Coding change: c.6503_6504delinsT on transcript NM_001035.3 (MANE Select); coding-DNA positions 6503 to 6504, AC replaced by T.
Protein change: p.His2168fs; shifts the reading frame from histidine 2168.
Molecular consequence: frameshift variant.
Genome position (GRCh38, 1-based): chr1:237,631,489-237,631,490, AC replaced by T. VCF-style: chr1-237631489-AC-T. GRCh37 (hg19) VCF-style: chr1-237794789-AC-T.
Other names: short protein forms H2168fs.
Identifiers: ClinVar variation 2640119 (VCV002640119.24), dbSNP rs2546906954, ClinGen allele CA2695200052.

ClinVar aggregate classification (germline): Uncertain significance (1 of 4 stars; one submission).

Submission:

CeGaT Center for Human Genetics Tuebingen
Classification: Uncertain significance. Last evaluated: 2023-02-01. Review status: criteria provided, single submitter. Criteria: CeGaT Center For Human Genetics Tuebingen Variant Classification Criteria Version 2. Collection method: clinical testing. Allele origin: germline. Affected: yes. Observed: 1 variant allele.
Comment: RYR2: PM2, PS2:Moderate